The following is an entry in ClinVar:

ClinVar aggregate classification (germline): Uncertain significance (1 of 4 stars; one submission).

Conditions:
Joubert syndrome. Also called: CEREBELLOPARENCHYMAL DISORDER IV; JOUBERT-BOLTSHAUSER SYNDROME; Familial aplasia of the vermis. Identifiers: Orphanet 475, MedGen C5979921, MONDO:0018772.
Nephronophthisis. Also called: Juvenile Nephronophthisis. Identifiers: Orphanet 655, MedGen C0687120, MONDO:0019005, HP:0000090.
Meckel-Gruber syndrome. Also called: DYSENCEPHALIA SPLANCHNOCYSTICA; GRUBER SYNDROME; Dysencephalia splachnocystica. Identifiers: Orphanet 564, MedGen C0265215, MONDO:0018921.

Allele frequency attached by ClinVar (database versions not stated): gnomAD 0.00001; TOPMed 0.00002.

Submission:

Labcorp Genetics (formerly Invitae), Labcorp
Classification: Uncertain significance for Joubert syndrome; Meckel-Gruber syndrome; Nephronophthisis. Last evaluated: 2023-07-17. Review status: criteria provided, single submitter. Criteria: Invitae Variant Classification Sherloc (09022015). Collection method: clinical testing. Allele origin: germline.
Comment: In summary, the available evidence is currently insufficient to determine the role of this variant in disease. Therefore, it has been classified as a Variant of Uncertain Significance. This sequence change replaces aspartic acid, which is acidic and polar, with glycine, which is neutral and non-polar, at codon 361 of the CEP290 protein (p.Asp361Gly). This variant is not present in population databases (gnomAD no frequency). This variant has not been reported in the literature in individuals affected with CEP290-related conditions. ClinVar contains an entry for this variant (Variation ID: 2413415). Advanced modeling of protein sequence and biophysical properties (such as structural, functional, and spatial information, amino acid conservation, physicochemical variation, residue mobility, and thermodynamic stability) performed at Invitae indicates that this missense variant is expected to disrupt CEP290 protein function.

NM_025114.4(CEP290):c.1082A>G (p.Asp361Gly)

Gene: CEP290 (centrosomal protein 290; minus strand). Cytogenetic location: 12q21.32.
Variant type: single nucleotide variant.
Coding change: c.1082A>G on transcript NM_025114.4 (MANE Select); coding-DNA position 1082, A replaced by G.
Protein change: p.Asp361Gly; replaces aspartic acid 361 with glycine.
Molecular consequence: missense variant.
Genome position (GRCh38, 1-based): chr12:88,125,353, T>C on the plus strand (A>G on the coding strand, the complement: CEP290 is on the minus strand). VCF-style: chr12-88125353-T-C. GRCh37 (hg19) VCF-style: chr12-88519130-T-C.
Other names: short protein forms D361G.
Identifiers: ClinVar variation 2413415 (VCV002413415.6), dbSNP rs2039666544, ClinGen allele CA385981514.
Genomic context (GRCh38, chr12:88,125,353, plus strand): 5'-TTCTTTTCCATTTCTTTTGTATATTGTTCTACTTGTTCGGTGAGCATCTTAATTTGACTG[T>C]CTCGTTCCTGTATACCCTATAAAATATTTTAAAACAATATATATCCCTTCATGAATATTA-3'
Protein context (NP_079390.3, residues 351-371): MALQQGIQER[Asp361Gly]SQIKMLTEQV